The following is an entry in ClinVar:

NM_001711.6(BGN):c.1087T>C (p.Phe363Leu)

Gene: BGN (biglycan; plus strand). Cytogenetic location: Xq28.
Variant type: single nucleotide variant.
Coding change: c.1087T>C on transcript NM_001711.6 (MANE Select); coding-DNA position 1087, T replaced by C.
Protein change: p.Phe363Leu; replaces phenylalanine 363 with leucine.
Molecular consequence: missense variant.
Genome position (GRCh38, 1-based): chrX:153,508,425, T>C. VCF-style: chrX-153508425-T-C. GRCh37 (hg19) VCF-style: chrX-152773883-T-C.
Other names: short protein forms F363L.
Identifiers: ClinVar variation 2564955 (VCV002564955.2), dbSNP rs2521229301, ClinGen allele CA415072013.

ClinVar aggregate classification (germline): Uncertain significance (1 of 4 stars; one submission).

Conditions:
Cardiovascular phenotype. Identifiers: MedGen CN230736.

Submission:

Ambry Genetics
Classification: Uncertain significance for Cardiovascular phenotype. Last evaluated: 2023-05-06. Review status: criteria provided, single submitter. Criteria: Ambry Variant Classification Scheme 2023. Collection method: clinical testing. Allele origin: germline.
Comment: The p.F363L variant (also known as c.1087T>C), located in coding exon 7 of the BGN gene, results from a T to C substitution at nucleotide position 1087. The phenylalanine at codon 363 is replaced by leucine, an amino acid with highly similar properties. This amino acid position is conserved. In addition, this alteration is predicted to be tolerated by in silico analysis. Since supporting evidence is limited at this time, the clinical significance of this alteration remains unclear.